The following is an entry in ClinVar:

NM_004813.4(PEX16):c.694+1G>A

Gene: PEX16 (peroxisomal biogenesis factor 16; minus strand). Cytogenetic location: 11p11.2.
Variant type: single nucleotide variant.
Coding change: c.694+1G>A on transcript NM_004813.4 (MANE Select); the canonical splice donor site of the intron after coding-DNA position 694, G replaced by A.
Molecular consequence: splice donor variant.
Genome position (GRCh38, 1-based): chr11:45,914,315, C>T on the plus strand (G>A on the coding strand, the complement: PEX16 is on the minus strand). VCF-style: chr11-45914315-C-T. GRCh37 (hg19) VCF-style: chr11-45935866-C-T.
Other names: c.694+1G>A (NM_057174.3).
Identifiers: ClinVar variation 1510865 (VCV001510865.8), dbSNP rs2134692847, ClinGen allele CA380226899.

ClinVar aggregate classification (germline): Likely pathogenic (1 of 4 stars; one submission).

Conditions:
Peroxisome biogenesis disorder. Identifiers: Orphanet 79189, MedGen C1832200, MONDO:0019234. Disease mechanism: loss of function.

Submission:

Labcorp Genetics (formerly Invitae), Labcorp
Classification: Likely pathogenic for Peroxisome biogenesis disorder. Last evaluated: 2023-09-15. Review status: criteria provided, single submitter. Criteria: Invitae Variant Classification Sherloc (09022015). Collection method: clinical testing. Allele origin: germline.
Comment: This sequence change affects a donor splice site in intron 7 of the PEX16 gene. It is expected to disrupt RNA splicing. Variants that disrupt the donor or acceptor splice site typically lead to a loss of protein function (PMID: 16199547), and loss-of-function variants in PEX16 are known to be pathogenic (PMID: 9837814, 11890679, 20647552, 20681997). This variant is not present in population databases (gnomAD no frequency). This variant has not been reported in the literature in individuals affected with PEX16-related conditions. ClinVar contains an entry for this variant (Variation ID: 1510865). Algorithms developed to predict the effect of sequence changes on RNA splicing suggest that this variant may disrupt the consensus splice site. In summary, the currently available evidence indicates that the variant is pathogenic, but additional data are needed to prove that conclusively. Therefore, this variant has been classified as Likely Pathogenic.

Literature cited by the submitters: PubMed 16199547; PubMed 9837814; PubMed 11890679; PubMed 20647552; PubMed 20681997.